The following is an entry in ClinVar:

ClinVar aggregate classification (germline): Uncertain significance. Review status: criteria provided, multiple submitters, no conflicts (2 of 4 stars). 2 submissions from 2 submitters: Uncertain significance (2). Last evaluated 2025-06-02.

Conditions:
Cenani-Lenz syndactyly syndrome. Also called: SYNDACTYLY, TYPE VII; CENANI SYNDACTYLISM. Identifiers: Orphanet 3258, MedGen C1859309, MONDO:0008931, OMIM 212780.
Sclerosteosis 2 (SOST2). Identifiers: Orphanet 3152, MedGen C3280402, MONDO:0013679, OMIM 614305.
Congenital myasthenic syndrome 17. Identifiers: Orphanet 590, MedGen C4225377, MONDO:0014578, OMIM 616304.

Allele frequency attached by ClinVar (database versions not stated): TOPMed 0.00001; gnomAD 0.00001; gnomAD exomes 0.00001.
gnomAD v4.1: 16 of 1,613,998 alleles (0.00099%); highest among the groups gnomAD compares: African/African-American, 0.0013%; no homozygotes.

Submissions (2):

Labcorp Genetics (formerly Invitae), Labcorp
Classification: Uncertain significance for Cenani-Lenz syndactyly syndrome; Sclerosteosis 2; Congenital myasthenic syndrome 17. Last evaluated: 2025-06-02. Review status: criteria provided, single submitter. Criteria: Invitae Variant Classification Sherloc (09022015). Collection method: clinical testing. Allele origin: germline.
Comment: This sequence change replaces lysine, which is basic and polar, with arginine, which is basic and polar, at codon 1280 of the LRP4 protein (p.Lys1280Arg). This variant is present in population databases (rs371205300, gnomAD 0.003%). This variant has not been reported in the literature in individuals affected with LRP4-related conditions. ClinVar contains an entry for this variant (Variation ID: 653192). Invitae Evidence Modeling of protein sequence and biophysical properties (such as structural, functional, and spatial information, amino acid conservation, physicochemical variation, residue mobility, and thermodynamic stability) has been performed for this missense variant. However, the output from this modeling did not meet the statistical confidence thresholds required to predict the impact of this variant on LRP4 protein function. In summary, the available evidence is currently insufficient to determine the role of this variant in disease. Therefore, it has been classified as a Variant of Uncertain Significance.

Fulgent Genetics
Classification: Uncertain significance for Cenani-Lenz syndactyly syndrome; Sclerosteosis 2; Congenital myasthenic syndrome 17. Last evaluated: 2022-03-08. Review status: criteria provided, single submitter. Criteria: ACMG Guidelines, 2015. Collection method: clinical testing. Allele origin: unknown.

NM_002334.4(LRP4):c.3839A>G (p.Lys1280Arg)

Gene: LRP4 (LDL receptor related protein 4; minus strand). Cytogenetic location: 11p11.2.
Variant type: single nucleotide variant.
Coding change: c.3839A>G on transcript NM_002334.4 (MANE Select); coding-DNA position 3839, A replaced by G.
Protein change: p.Lys1280Arg; replaces lysine 1280 with arginine.
Molecular consequence: missense variant.
Genome position (GRCh38, 1-based): chr11:46,875,542, T>C on the plus strand (A>G on the coding strand, the complement: LRP4 is on the minus strand). VCF-style: chr11-46875542-T-C. GRCh37 (hg19) VCF-style: chr11-46897093-T-C.
Other names: short protein forms K1280R.
Identifiers: ClinVar variation 653192 (VCV000653192.9), dbSNP rs371205300, ClinGen allele CA221627789.